The following is an entry in ClinVar:

ClinVar aggregate classification (germline): Uncertain significance (1 of 4 stars; one submission).

Conditions:
Inborn genetic diseases. Identifiers: MedGen C0950123, MeSH D030342.

Allele frequency attached by ClinVar (database versions not stated): TOPMed below 0.00001; gnomAD 0.00001.
gnomAD v4.1: 2 of 1,612,096 alleles (0.00012%); highest among the groups gnomAD compares: Non-Finnish European, 0.00017%; no homozygotes.

Submission:

Ambry Genetics
Classification: Uncertain significance for Inborn genetic diseases. Last evaluated: 2024-07-29. Review status: criteria provided, single submitter. Criteria: Ambry Variant Classification Scheme 2023. Collection method: clinical testing. Allele origin: germline.
Comment: The p.S1472C variant (also known as c.4415C>G), located in coding exon 25 of the ATR gene, results from a C to G substitution at nucleotide position 4415. The serine at codon 1472 is replaced by cysteine, an amino acid with dissimilar properties. This amino acid position is conserved. In addition, this alteration is predicted to be tolerated by in silico analysis. Since supporting evidence is limited at this time, the clinical significance of this alteration remains unclear.

NM_001184.4(ATR):c.4415C>G (p.Ser1472Cys)

Gene: ATR (ATR checkpoint kinase; minus strand). Cytogenetic location: 3q23.
Variant type: single nucleotide variant.
Coding change: c.4415C>G on transcript NM_001184.4 (MANE Select); coding-DNA position 4415, C replaced by G.
Protein change: p.Ser1472Cys; replaces serine 1472 with cysteine.
Molecular consequence: missense variant.
Genome position (GRCh38, 1-based): chr3:142,515,483, G>C on the plus strand (C>G on the coding strand, the complement: ATR is on the minus strand). VCF-style: chr3-142515483-G-C. GRCh37 (hg19) VCF-style: chr3-142234325-G-C.
Other names: c.4223C>G, p.Ser1408Cys (NM_001354579.2); short protein forms S1472C, S1408C.
Identifiers: ClinVar variation 1740428 (VCV001740428.3), dbSNP rs1251645557, ClinGen allele CA354798586.